The following is an entry in ClinVar:

NM_031935.3(HMCN1):c.5325T>A (p.Ile1775=)

Gene: HMCN1 (hemicentin 1; plus strand). Cytogenetic location: 1q31.1.
Variant type: single nucleotide variant.
Coding change: c.5325T>A on transcript NM_031935.3 (MANE Select); coding-DNA position 5325, T replaced by A.
Protein change: p.Ile1775=; no amino-acid change (isoleucine 1775 retained).
Molecular consequence: synonymous variant.
Genome position (GRCh38, 1-based): chr1:186,018,207, T>A. VCF-style: chr1-186018207-T-A. GRCh37 (hg19) VCF-style: chr1-185987339-T-A.
Other names: c.5325T>A (NM_031935.2).
Identifiers: ClinVar variation 1409026 (VCV001409026.10), dbSNP rs571034789, ClinGen allele CA1292242.

ClinVar aggregate classification (germline): Likely benign. Review status: criteria provided, single submitter (1 of 4 stars). 2 submissions from 2 submitters: Likely benign (1). 1 of the submissions does not count toward it. Last evaluated 2023-09-17.

Conditions:
HMCN1-related disorder. Also called: HMCN1-related condition.

Allele frequency attached by ClinVar (database versions not stated): gnomAD 0.00003 and 0.00010; TOPMed 0.00005; gnomAD exomes 0.00011; ExAC 0.00012; 1000 Genomes Project 30x 0.00031; 1000 Genomes Project 0.00040.
gnomAD v4.1: 115 of 1,612,754 alleles (0.0071%); highest among the groups gnomAD compares: Middle Eastern, 0.26%; no homozygotes.

Submissions (2):

Labcorp Genetics (formerly Invitae), Labcorp
Classification: Likely benign. Last evaluated: 2023-09-17. Review status: criteria provided, single submitter. Criteria: Invitae Variant Classification Sherloc (09022015). Collection method: clinical testing. Allele origin: germline.

PreventionGenetics, part of Exact Sciences
Classification: Likely benign for HMCN1-related condition. Last evaluated: 2019-11-20. Review status: no assertion criteria provided. Collection method: clinical testing. Allele origin: germline. Not counted in ClinVar's aggregate classification.
Comment: This variant is classified as likely benign based on ACMG/AMP sequence variant interpretation guidelines (Richards et al. 2015 PMID: 25741868, with internal and published modifications).